The following is an entry in ClinVar:

NM_198531.5(ATP9B):c.3339G>A (p.Leu1113=)

Gene: ATP9B (ATPase phospholipid transporting 9B; plus strand). Cytogenetic location: 18q23.
Variant type: single nucleotide variant.
Coding change: c.3339G>A on transcript NM_198531.5 (MANE Select); coding-DNA position 3339, G replaced by A.
Protein change: p.Leu1113=; no amino-acid change (leucine 1113 retained).
Molecular consequence: synonymous variant. On other transcripts: non-coding transcript variant (1).
Genome position (GRCh38, 1-based): chr18:79,377,278, G>A. VCF-style: chr18-79377278-G-A. GRCh37 (hg19) VCF-style: chr18-77137278-G-A.
Other names: c.3306G>A, p.Leu1102= (NM_001306085.2).
Identifiers: ClinVar variation 2648825 (VCV002648825.24), dbSNP rs1253018878, ClinGen allele CA504582698.

ClinVar aggregate classification (germline): Likely benign (1 of 4 stars; one submission).

Allele frequency attached by ClinVar (database versions not stated): gnomAD exomes below 0.00001; gnomAD 0.00001; TOPMed 0.00001.
gnomAD v4.1: 3 of 1,612,238 alleles (0.00019%); highest among the groups gnomAD compares: Non-Finnish European, 0.00017%; no homozygotes.

Submission:

CeGaT Center for Human Genetics Tuebingen
Classification: Likely benign. Last evaluated: 2023-01-01. Review status: criteria provided, single submitter. Criteria: CeGaT Center For Human Genetics Tuebingen Variant Classification Criteria Version 2. Collection method: clinical testing. Allele origin: germline. Affected: yes. Observed: 1 variant allele.
Comment: ATP9B: BP4, BP7